The following is an entry in ClinVar:

ClinVar aggregate classification (germline): Benign/Likely benign. Review status: criteria provided, multiple submitters, no conflicts (2 of 4 stars). 2 submissions from 2 submitters: Benign (1); Likely benign (1). Last evaluated 2024-09-20.

Conditions:
Hereditary diffuse gastric adenocarcinoma (HDGC). Also called: DIFFUSE GASTRIC AND LOBULAR BREAST CANCER SYNDROME. Identifiers: Orphanet 26106, MedGen C1708349, MONDO:0007648, OMIM 137215.

Submissions (2):

Myriad Genetics, Inc.
Classification: Benign for Hereditary diffuse gastric adenocarcinoma. Last evaluated: 2024-09-20. Review status: criteria provided, single submitter. Criteria: Myriad Autosomal Dominant, Autosomal Recessive and X-Linked Classification Criteria (2023). Collection method: clinical testing. Allele origin: unknown.
Comment: This variant is considered benign. This variant is a silent/synonymous amino acid change and it is not expected to impact splicing.

Labcorp Genetics (formerly Invitae), Labcorp
Classification: Likely benign for Hereditary diffuse gastric adenocarcinoma. Last evaluated: 2021-05-18. Review status: criteria provided, single submitter. Criteria: Invitae Variant Classification Sherloc (09022015). Collection method: clinical testing. Allele origin: germline.

NM_004360.5(CDH1):c.2220C>T (p.Pro740=)

Gene: CDH1 (cadherin 1; plus strand). Cytogenetic location: 16q22.1.
Variant type: single nucleotide variant.
Coding change: c.2220C>T on transcript NM_004360.5 (MANE Select); coding-DNA position 2220, C replaced by T.
Protein change: p.Pro740=; no amino-acid change (proline 740 retained).
Molecular consequence: synonymous variant.
Genome position (GRCh38, 1-based): chr16:68,828,229, C>T. VCF-style: chr16-68828229-C-T. GRCh37 (hg19) VCF-style: chr16-68862132-C-T.
Other names: c.2037C>T, p.Pro679= (NM_001317184.2); c.672C>T, p.Pro224= (NM_001317185.2); c.255C>T, p.Pro85= (NM_001317186.2).
Identifiers: ClinVar variation 1560081 (VCV001560081.9), dbSNP rs1961376847, ClinGen allele CA496157154.
Genomic context (GRCh38, chr16:68,828,229, plus strand): 5'-CCCAGTTCTGATTCTGCTGCTCTTGCTGTTTCTTCGGAGGAGAGCGGTGGTCAAAGAGCC[C>T]TTACTGCCCCCAGAGGATGACACCCGGGACAACGTTTATTACTATGATGAAGAAGGAGGC-3'
Protein context (NP_004351.1, residues 730-750): FLRRRAVVKE[Pro740=]LLPPEDDTRD